The following is an entry in ClinVar:

ClinVar aggregate classification (germline): Pathogenic. Review status: criteria provided, multiple submitters, no conflicts (2 of 4 stars). 2 submissions from 2 submitters: Pathogenic (2). Last evaluated 2025-02-26.

Conditions:
Hereditary cancer-predisposing syndrome. Also called: Neoplastic Syndromes, Hereditary; Tumor predisposition; Hereditary neoplastic syndrome; Hereditary Cancer Syndrome. Identifiers: Orphanet 140162, MedGen C0027672, MeSH D009386, MONDO:0015356.
Familial cancer of breast. Also called: BREAST CANCER, FAMILIAL; Hereditary breast cancer; hereditary breast carcinoma. Identifiers: Orphanet 227535, MedGen C0346153, MONDO:0016419, OMIM 114480. Disease mechanism: loss of function.

Submissions (2):

Labcorp Genetics (formerly Invitae), Labcorp
Classification: Pathogenic for Familial cancer of breast. Last evaluated: 2025-02-26. Review status: criteria provided, single submitter. Criteria: Invitae Variant Classification Sherloc (09022015). Collection method: clinical testing. Allele origin: germline.
Comment: This sequence change creates a premature translational stop signal (p.Lys149Alafs*17) in the PALB2 gene. It is expected to result in an absent or disrupted protein product. Loss-of-function variants in PALB2 are known to be pathogenic (PMID: 17200668, 17200671, 17200672, 24136930, 25099575). This variant is not present in population databases (gnomAD no frequency). This variant has not been reported in the literature in individuals affected with PALB2-related conditions. ClinVar contains an entry for this variant (Variation ID: 3228036). For these reasons, this variant has been classified as Pathogenic.

Ambry Genetics
Classification: Pathogenic for Hereditary cancer-predisposing syndrome. Last evaluated: 2024-01-31. Review status: criteria provided, single submitter. Criteria: Ambry Variant Classification Scheme 2023. Collection method: clinical testing. Allele origin: germline.
Comment: The c.445_449delAAGCA pathogenic mutation, located in coding exon 4 of the PALB2 gene, results from a deletion of 5 nucleotides at nucleotide positions 445 to 449, causing a translational frameshift with a predicted alternate stop codon (p.K149Afs*17). This variant is considered to be rare based on population cohorts in the Genome Aggregation Database (gnomAD). This alteration is expected to result in loss of function by premature protein truncation or nonsense-mediated mRNA decay. As such, this alteration is interpreted as a disease-causing mutation.

Literature cited by the submitters: PubMed 17200668 (cited by Labcorp Genetics (formerly Invitae), Labcorp); PubMed 17200671 (cited by Labcorp Genetics (formerly Invitae), Labcorp); PubMed 17200672 (cited by Labcorp Genetics (formerly Invitae), Labcorp); PubMed 24136930 (cited by Labcorp Genetics (formerly Invitae), Labcorp); PubMed 25099575 (cited by Labcorp Genetics (formerly Invitae), Labcorp).

NM_024675.4(PALB2):c.445_449del (p.Lys149fs)

Gene: PALB2 (partner and localizer of BRCA2; minus strand). Cytogenetic location: 16p12.2.
Variant type: Deletion.
Coding change: c.445_449del on transcript NM_024675.4 (MANE Select); coding-DNA positions 445 to 449, 5 bases deleted (AAGCA; older notation c.445_449delAAGCA).
Protein change: p.Lys149fs; shifts the reading frame from lysine 149.
Molecular consequence: frameshift variant. On other transcripts: 5 prime UTR variant (8), intron variant (3).
Genome position (GRCh38, 1-based): chr16:23,636,097-23,636,101, TGCTT deleted on the plus strand (AAGCA on the coding strand, the reverse complement: PALB2 is on the minus strand). VCF-style (leftmost placement, unchanged base first): chr16-23636096-CTGCTT-C. GRCh37 (hg19) VCF-style: chr16-23647417-CTGCTT-C.
Other names: c.385_389del, p.Lys129fs (NM_001407296.1); c.445_449del, p.Lys149fs (NM_001407297.1, NM_001407298.1, NM_001407299.1 and 3 more transcripts); c.-441_-437del (NM_001407304.1, NM_001407305.1, NM_001407306.1 and 5 more transcripts); c.48+5009_48+5013del (NM_001407314.1); c.-105+5009_-105+5013del (NM_001407313.1, NM_001407312.1); short protein forms K129fs, K149fs.
Identifiers: ClinVar variation 3228036 (VCV003228036.2), dbSNP rs2506512121, ClinGen allele CA2825002431.